The following is an entry in ClinVar:

NM_004260.4(RECQL4):c.2849C>T (p.Pro950Leu)

Gene: RECQL4 (RecQ like helicase 4; minus strand). Cytogenetic location: 8q24.3.
Variant type: single nucleotide variant.
Coding change: c.2849C>T on transcript NM_004260.4 (MANE Select); coding-DNA position 2849, C replaced by T.
Protein change: p.Pro950Leu; replaces proline 950 with leucine.
Molecular consequence: missense variant. On other transcripts: non-coding transcript variant (3).
Genome position (GRCh38, 1-based): chr8:144,512,678, G>A on the plus strand (C>T on the coding strand, the complement: RECQL4 is on the minus strand). VCF-style: chr8-144512678-G-A. GRCh37 (hg19) VCF-style: chr8-145738061-G-A.
Other names: c.2849C>T (NM_004260.3); c.2651C>T, p.Pro884Leu (NM_001413018.1); c.2924C>T, p.Pro975Leu (NM_001413019.1); c.2753C>T, p.Pro918Leu (NM_001413020.1); c.1778C>T, p.Pro593Leu (NM_001413021.1, NM_001413022.1, NM_001413024.1 and 4 more transcripts); c.1853C>T, p.Pro618Leu (NM_001413023.1); c.2720C>T, p.Pro907Leu (NM_001413025.1); c.1712C>T, p.Pro571Leu (NM_001413027.1, NM_001413030.1, NM_001413032.1); and 10 more; short protein forms P461L, P571L, P583L, P833L, P906L, P975L, P593L, P527L.
Identifiers: ClinVar variation 2983946 (VCV002983946.4), dbSNP rs769664095, ClinGen allele CA372674020.

ClinVar aggregate classification (germline): Uncertain significance. Review status: criteria provided, multiple submitters, no conflicts (2 of 4 stars). 2 submissions from 2 submitters: Uncertain significance (2). Last evaluated 2025-08-11.

Conditions:
Inborn genetic diseases. Identifiers: MedGen C0950123, MeSH D030342.
Baller-Gerold syndrome (BGS). Also called: CRANIOSYNOSTOSIS WITH RADIAL DEFECTS. Identifiers: Orphanet 1225, MedGen C0265308, MONDO:0009039, OMIM 218600.

Submissions (2):

Labcorp Genetics (formerly Invitae), Labcorp
Classification: Uncertain significance for Baller-Gerold syndrome. Last evaluated: 2025-08-11. Review status: criteria provided, single submitter. Criteria: Invitae Variant Classification Sherloc (09022015). Collection method: clinical testing. Allele origin: germline.
Comment: This sequence change replaces proline, which is neutral and non-polar, with leucine, which is neutral and non-polar, at codon 950 of the RECQL4 protein (p.Pro950Leu). This variant is not present in population databases (gnomAD no frequency). This variant has not been reported in the literature in individuals affected with RECQL4-related conditions. ClinVar contains an entry for this variant (Variation ID: 2983946). Invitae Evidence Modeling of protein sequence and biophysical properties (such as structural, functional, and spatial information, amino acid conservation, physicochemical variation, residue mobility, and thermodynamic stability) indicates that this missense variant is expected to disrupt RECQL4 protein function with a positive predictive value of 80%. In summary, the available evidence is currently insufficient to determine the role of this variant in disease. Therefore, it has been classified as a Variant of Uncertain Significance.

Ambry Genetics
Classification: Uncertain significance for Inborn genetic diseases. Last evaluated: 2024-12-01. Review status: criteria provided, single submitter. Criteria: Ambry Variant Classification Scheme 2023. Collection method: clinical testing. Allele origin: germline.
Comment: The p.P950L variant (also known as c.2849C>T), located in coding exon 16 of the RECQL4 gene, results from a C to T substitution at nucleotide position 2849. The proline at codon 950 is replaced by leucine, an amino acid with similar properties. This amino acid position is conserved. In addition, this alteration is predicted to be tolerated by in silico analysis. Based on the available evidence, the clinical significance of this variant remains unclear.